The following is an entry in ClinVar:

NM_003737.4(DCHS1):c.7544A>G (p.His2515Arg)

Gene: DCHS1 (dachsous cadherin-related 1; minus strand). Cytogenetic location: 11p15.4.
Variant type: single nucleotide variant.
Coding change: c.7544A>G on transcript NM_003737.4 (MANE Select); coding-DNA position 7544, A replaced by G.
Protein change: p.His2515Arg; replaces histidine 2515 with arginine.
Molecular consequence: missense variant.
Genome position (GRCh38, 1-based): chr11:6,624,132, T>C on the plus strand (A>G on the coding strand, the complement: DCHS1 is on the minus strand). VCF-style: chr11-6624132-T-C. GRCh37 (hg19) VCF-style: chr11-6645363-T-C.
Other names: short protein forms H2515R.
Identifiers: ClinVar variation 1976421 (VCV001976421.5), dbSNP rs766301480, ClinGen allele CA5859581.

ClinVar aggregate classification (germline): Uncertain significance (1 of 4 stars; one submission).

Allele frequency attached by ClinVar (database versions not stated): gnomAD exomes below 0.00001; TOPMed below 0.00001; ExAC 0.00001; gnomAD 0.00001.
gnomAD v4.1: 7 of 1,611,706 alleles (0.00043%); highest among the groups gnomAD compares: South Asian, 0.0033%; no homozygotes.

Submission:

Labcorp Genetics (formerly Invitae), Labcorp
Classification: Uncertain significance. Last evaluated: 2024-08-15. Review status: criteria provided, single submitter. Criteria: Invitae Variant Classification Sherloc (09022015). Collection method: clinical testing. Allele origin: germline.
Comment: This sequence change replaces histidine, which is basic and polar, with arginine, which is basic and polar, at codon 2515 of the DCHS1 protein (p.His2515Arg). This variant is present in population databases (rs766301480, gnomAD 0.003%). This variant has not been reported in the literature in individuals affected with DCHS1-related conditions. ClinVar contains an entry for this variant (Variation ID: 1976421). Invitae Evidence Modeling of protein sequence and biophysical properties (such as structural, functional, and spatial information, amino acid conservation, physicochemical variation, residue mobility, and thermodynamic stability) has been performed for this missense variant. However, the output from this modeling did not meet the statistical confidence thresholds required to predict the impact of this variant on DCHS1 protein function. In summary, the available evidence is currently insufficient to determine the role of this variant in disease. Therefore, it has been classified as a Variant of Uncertain Significance.